The following is an entry in ClinVar:

NM_001903.5(CTNNA1):c.1357T>A (p.Ser453Thr)

Gene: CTNNA1 (catenin alpha 1; plus strand). Cytogenetic location: 5q31.2.
Variant type: single nucleotide variant.
Coding change: c.1357T>A on transcript NM_001903.5 (MANE Select); coding-DNA position 1357, T replaced by A.
Protein change: p.Ser453Thr; replaces serine 453 with threonine.
Molecular consequence: missense variant. On other transcripts: 5 prime UTR variant (4), intron variant (3).
Genome position (GRCh38, 1-based): chr5:138,904,409, T>A. VCF-style: chr5-138904409-T-A. GRCh37 (hg19) VCF-style: chr5-138240098-T-A.
Other names: c.1357T>A, p.Ser453Thr (NM_001290307.3, NM_001323982.2, NM_001323983.1 and 2 more transcripts); c.1048T>A, p.Ser350Thr (NM_001290309.3); c.988T>A, p.Ser330Thr (NM_001290310.3); c.247T>A, p.Ser83Thr (NM_001290312.1, NM_001323987.1, NM_001323988.1 and 17 more transcripts); c.-151T>A (NM_001324006.1, NM_001324007.1, NM_001324008.1 and 1 more transcripts); c.4T>A, p.Ser2Thr (NM_001324012.1, NM_001324013.1); c.1297-13333T>A (NM_001323986.2); c.187-13333T>A (NM_001324011.1); and 1 more; short protein forms S330T, S350T, S453T, S2T, S83T.
Identifiers: ClinVar variation 4742768 (VCV004742768.1).
Genomic context (GRCh38, chr5:138,904,409, plus strand): 5'-GTTGCCAACTTGGCCTGTTCCATCTCAAATAATGAAGAAGGTGTAAAGCTTGTTCGAATG[T>A]CTGCAAGCCAGTTAGAAGCCCTCTGTCCTCAGGTAAAGTACAACTGACACTGGTGACAGC-3'
Protein context (NP_001894.2, residues 443-463): NEEGVKLVRM[Ser453Thr]ASQLEALCPQ

ClinVar aggregate classification (germline): Uncertain significance (1 of 4 stars; one submission).

Submission:

Labcorp Genetics (formerly Invitae), Labcorp
Classification: Uncertain significance. Last evaluated: 2025-07-02. Review status: criteria provided, single submitter. Criteria: Invitae Variant Classification Sherloc (09022015). Collection method: clinical testing. Allele origin: germline.
Comment: This sequence change replaces serine, which is neutral and polar, with threonine, which is neutral and polar, at codon 453 of the CTNNA1 protein (p.Ser453Thr). This variant is not present in population databases (gnomAD no frequency). This variant has not been reported in the literature in individuals affected with CTNNA1-related conditions. Invitae Evidence Modeling of protein sequence and biophysical properties (such as structural, functional, and spatial information, amino acid conservation, physicochemical variation, residue mobility, and thermodynamic stability) indicates that this missense variant is not expected to disrupt CTNNA1 protein function with a negative predictive value of 80%. In summary, the available evidence is currently insufficient to determine the role of this variant in disease. Therefore, it has been classified as a Variant of Uncertain Significance.